The following is an entry in ClinVar:

NM_000548.5(TSC2):c.2787G>T (p.Glu929Asp)

Gene: TSC2 (TSC complex subunit 2; plus strand). Cytogenetic location: 16p13.3.
Variant type: single nucleotide variant.
Coding change: c.2787G>T on transcript NM_000548.5 (MANE Select); coding-DNA position 2787, G replaced by T.
Protein change: p.Glu929Asp; replaces glutamic acid 929 with aspartic acid.
Molecular consequence: missense variant.
Genome position (GRCh38, 1-based): chr16:2,076,535, G>T. VCF-style: chr16-2076535-G-T. GRCh37 (hg19) VCF-style: chr16-2126536-G-T.
Other names: c.2787G>T, p.Glu929Asp (NM_001077183.3, NM_001114382.3, NM_001363528.2 and 3 more transcripts); c.2676G>T, p.Glu892Asp (NM_001318827.2); c.2640G>T, p.Glu880Asp (NM_001318829.2); c.2187G>T, p.Glu729Asp (NM_001318831.2); c.2820G>T, p.Glu940Asp (NM_001318832.2); short protein forms E929D, E892D, E729D, E880D, E940D.
Identifiers: ClinVar variation 574701 (VCV000574701.13), dbSNP rs968144525, ClinGen allele CA276742111.

ClinVar aggregate classification (germline): Uncertain significance. Review status: criteria provided, multiple submitters, no conflicts (2 of 4 stars). 4 submissions from 4 submitters: Uncertain significance (4). Last evaluated 2025-09-16.

Conditions:
Hereditary cancer-predisposing syndrome. Also called: Hereditary neoplastic syndrome; Neoplastic Syndromes, Hereditary; Hereditary Cancer Syndrome; Tumor predisposition. Identifiers: Orphanet 140162, MedGen C0027672, MeSH D009386, MONDO:0015356.
Tuberous sclerosis 2 (TSC2). Identifiers: Orphanet 805, MedGen C1860707, MONDO:0013199, OMIM 613254.
Tuberous sclerosis syndrome (TSC). Also called: Tuberous sclerosis; Tuberous Sclerosis Complex. Identifiers: Orphanet 805, MedGen C0041341, MONDO:0001734.
Isolated focal cortical dysplasia type II (FCORD2). Also called: Focal cortical dysplasia type II; CORTICAL DYSPLASIA OF TAYLOR. Identifiers: Orphanet 268994, MedGen C1846385, MONDO:0011818, OMIM 607341, HP:0032051.

Allele frequency attached by ClinVar (database versions not stated): gnomAD exomes below 0.00001; TOPMed below 0.00001; gnomAD 0.00001.
gnomAD v4.1: 2 of 1,613,468 alleles (0.00012%); highest among the groups gnomAD compares: Non-Finnish European, 0.00017%; no homozygotes.

Submissions (4):

Labcorp Genetics (formerly Invitae), Labcorp
Classification: Uncertain significance for Tuberous sclerosis 2. Last evaluated: 2025-09-16. Review status: criteria provided, single submitter. Criteria: Invitae Variant Classification Sherloc (09022015). Collection method: clinical testing. Allele origin: germline.
Comment: This sequence change replaces glutamic acid, which is acidic and polar, with aspartic acid, which is acidic and polar, at codon 929 of the TSC2 protein (p.Glu929Asp). This variant is not present in population databases (gnomAD no frequency). This variant has not been reported in the literature in individuals affected with TSC2-related conditions. ClinVar contains an entry for this variant (Variation ID: 574701). Invitae Evidence Modeling of protein sequence and biophysical properties (such as structural, functional, and spatial information, amino acid conservation, physicochemical variation, residue mobility, and thermodynamic stability) indicates that this missense variant is not expected to disrupt TSC2 protein function with a negative predictive value of 95%. In summary, the available evidence is currently insufficient to determine the role of this variant in disease. Therefore, it has been classified as a Variant of Uncertain Significance.

Ambry Genetics
Classification: Uncertain significance for Hereditary cancer-predisposing syndrome. Last evaluated: 2025-08-12. Review status: criteria provided, single submitter. Criteria: Ambry Variant Classification Scheme 2023. Collection method: clinical testing. Allele origin: germline.
Comment: The p.E929D variant (also known as c.2787G>T), located in coding exon 24 of the TSC2 gene, results from a G to T substitution at nucleotide position 2787. The glutamic acid at codon 929 is replaced by aspartic acid, an amino acid with highly similar properties. This amino acid position is conserved. In addition, this alteration is predicted to be deleterious by in silico analysis. Since supporting evidence is limited at this time, the clinical significance of this alteration remains unclear.

Color Diagnostics, LLC DBA Color Health
Classification: Uncertain significance for Tuberous sclerosis syndrome. Last evaluated: 2025-06-05. Review status: criteria provided, single submitter. Criteria: ACMG Guidelines, 2015. Collection method: clinical testing. Allele origin: germline.
Comment: This missense variant replaces glutamic acid with aspartic acid at codon 929 of the TSC2 protein. Computational prediction is inconclusive regarding the impact of this variant on protein structure and function. To our knowledge, functional studies have not been reported for this variant. This variant has not been reported in individuals affected with tuberous sclerosis complex in the literature. This variant has not been identified in the general population by the Genome Aggregation Database (gnomAD). The available evidence is insufficient to determine the role of this variant in disease conclusively. Therefore, this variant is classified as a Variant of Uncertain Significance.

Baylor Genetics
Classification: Uncertain significance for Isolated focal cortical dysplasia type II. Last evaluated: 2023-07-07. Review status: criteria provided, single submitter. Criteria: ACMG Guidelines, 2015. Collection method: clinical testing. Allele origin: unknown.